The following is an entry in ClinVar:

NM_000238.4(KCNH2):c.572del (p.Pro191fs)

Gene: KCNH2 (potassium voltage-gated channel subfamily H member 2; minus strand). Cytogenetic location: 7q36.1.
Variant type: Deletion.
Coding change: c.572del on transcript NM_000238.4 (MANE Select); coding-DNA position 572, one base deleted (C; older notation c.572delC).
Protein change: p.Pro191fs; shifts the reading frame from proline 191.
Molecular consequence: frameshift variant.
Genome position (GRCh38, 1-based): chr7:150,958,403, G deleted on the plus strand (C on the coding strand, the reverse complement: KCNH2 is on the minus strand); the first of 4 consecutive G bases (chr7:150,958,403-150,958,406); deleting any one gives the same sequence. VCF-style (leftmost placement, unchanged base first): chr7-150958402-CG-C. GRCh37 (hg19) VCF-style: chr7-150655490-CG-C.
Other names: c.281delC, p.Pro95Argfs (NM_001406753.1, NM_001406756.1); c.392delC, p.Pro132Argfs (NM_001406755.1); c.269delC, p.Pro91Argfs (NM_001406757.1); c.569delC, p.Pro191Argfs (NM_172056.3); short protein forms P191fs.
Identifiers: ClinVar variation 200608 (VCV000200608.11), dbSNP rs794728423, ClinGen allele CA008611.

ClinVar aggregate classification (germline): Pathogenic. Review status: criteria provided, multiple submitters, no conflicts (2 of 4 stars). 2 submissions from 2 submitters: Pathogenic (2). Last evaluated 2020-03-18.

Conditions:
Long QT syndrome (LQTS). Identifiers: MedGen C0023976, MeSH D008133, MONDO:0002442. Disease mechanism: loss of function. Inheritance: Various modes of inheritance.

Submissions (2):

Labcorp Genetics (formerly Invitae), Labcorp
Classification: Pathogenic for Long QT syndrome. Last evaluated: 2020-03-18. Review status: criteria provided, single submitter. Criteria: Invitae Variant Classification Sherloc (09022015). Collection method: clinical testing. Allele origin: germline.
Comment: Loss-of-function variants in KCNH2 are known to be pathogenic (PMID: 10973849, 19862833). For these reasons, this variant has been classified as Pathogenic. This variant has been observed in individual(s) with long QT syndrome (PMID: 26496715). ClinVar contains an entry for this variant (Variation ID: 200608). This sequence change creates a premature translational stop signal (p.Pro191Argfs*10) in the KCNH2 gene. It is expected to result in an absent or disrupted protein product. The frequency data for this variant in the population databases is considered unreliable, as metrics indicate insufficient coverage at this position in the ExAC database.

GeneDx
Classification: Pathogenic. Last evaluated: 2015-04-10. Review status: criteria provided, single submitter. Criteria: GeneDx Variant Classification (06012015). Collection method: clinical testing. Allele origin: germline. Affected: yes.
Comment: Although the c.572delC mutation in the KCNH2 gene has not been reported to our knowledge, this mutation causes a shift in reading frame starting at codon Proline 191, changing it to an Arginine, and creating a premature stop codon at position 10 of the new reading frame, denoted p.Pro191ArgfsX10. This mutation is expected to result in either an abnormal, truncated protein product or loss of protein from this allele through nonsense-mediated mRNA decay. Other frameshift mutations in the KCNH2 gene have been reported in association with LQTS.In summary, c.572delC in the KCNH2 gene is interpreted as a disease-causing mutation.

Literature cited by the submitters: PubMed 10973849 (cited by Labcorp Genetics (formerly Invitae), Labcorp); PubMed 19862833 (cited by Labcorp Genetics (formerly Invitae), Labcorp); PubMed 26496715 (cited by Labcorp Genetics (formerly Invitae), Labcorp).